The following is an entry in ClinVar:

ClinVar aggregate classification (germline): Uncertain significance. Review status: criteria provided, multiple submitters, no conflicts (2 of 4 stars). 5 submissions from 5 submitters: Uncertain significance (5). Last evaluated 2026-01-12.

Conditions:
Cardiovascular phenotype. Identifiers: MedGen CN230736.
Long QT syndrome (LQTS). Identifiers: MedGen C0023976, MeSH D008133, MONDO:0002442. Disease mechanism: loss of function. Inheritance: Various modes of inheritance.
Cardiac arrhythmia, ankyrin-B-related. Also called: ANKYRIN-B SYNDROME. Identifiers: Orphanet 101016, Orphanet 768, MedGen C1970119, MONDO:0010958, OMIM 600919.

Allele frequency attached by ClinVar (database versions not stated): ExAC 0.00001; gnomAD exomes 0.00001 and 0.00003; TOPMed 0.00001; gnomAD 0.00002.
gnomAD v4.1: 52 of 1,613,636 alleles (0.0032%); highest among the groups gnomAD compares: Non-Finnish European, 0.0044%; no homozygotes.

Submissions (5):

Labcorp Genetics (formerly Invitae), Labcorp
Classification: Uncertain significance for Long QT syndrome. Last evaluated: 2026-01-12. Review status: criteria provided, single submitter. Criteria: Invitae Variant Classification Sherloc (09022015). Collection method: clinical testing. Allele origin: germline.
Comment: This sequence change replaces threonine, which is neutral and polar, with alanine, which is neutral and non-polar, at codon 3776 of the ANK2 protein (p.Thr3776Ala). This variant is present in population databases (rs746620876, gnomAD 0.003%). This variant has not been reported in the literature in individuals affected with ANK2-related conditions. ClinVar contains an entry for this variant (Variation ID: 406497). An algorithm developed to predict the effect of missense changes on protein structure and function (PolyPhen-2) suggests that this variant is likely to be tolerated. In summary, the available evidence is currently insufficient to determine the role of this variant in disease. Therefore, it has been classified as a Variant of Uncertain Significance.

CeGaT Center for Human Genetics Tuebingen
Classification: Uncertain significance. Last evaluated: 2025-02-01. Review status: criteria provided, single submitter. Criteria: CeGaT Center For Human Genetics Tuebingen Variant Classification Criteria Version 2. Collection method: clinical testing. Allele origin: germline. Affected: yes. Observed: 1 variant allele.

Ambry Genetics
Classification: Uncertain significance for Cardiovascular phenotype. Last evaluated: 2023-03-13. Review status: criteria provided, single submitter. Criteria: Ambry Variant Classification Scheme 2023. Collection method: clinical testing. Allele origin: germline.
Comment: The p.T3776A variant (also known as c.11326A>G), located in coding exon 43 of the ANK2 gene, results from an A to G substitution at nucleotide position 11326. The threonine at codon 3776 is replaced by alanine, an amino acid with similar properties. This amino acid position is not well conserved in available vertebrate species. In addition, the in silico prediction for this alteration is inconclusive. According to data from gnomAD, the frequency for this variant is above the maximum credible frequency for a cardiac disease-causing variant in this gene based on internally established thresholds (Karczewski et al. Nature. 2020 May;581(7809):434-443; Whiffin et al. Genet Med. 2017 10;19:1151-1158). Based on the supporting evidence, the association of this alteration with ANK2-related neurodevelopmental disorder is unknown; however, the association with ANK2-related arrhythmia is unlikely.

Fulgent Genetics
Classification: Uncertain significance for Cardiac arrhythmia, ankyrin-B-related. Last evaluated: 2021-09-08. Review status: criteria provided, single submitter. Criteria: ACMG Guidelines, 2015. Collection method: clinical testing. Allele origin: unknown.

GeneDx
Classification: Uncertain significance. Last evaluated: 2021-05-27. Review status: criteria provided, single submitter. Criteria: GeneDx Variant Classification Process June 2021. Collection method: clinical testing. Allele origin: germline. Affected: yes.
Comment: Reported in ClinVar as a variant of uncertain significance (ClinVar Variant ID# 406497; Landrum et al., 2016); Not observed at significant frequency in large population cohorts (Lek et al., 2016); In silico analysis, which includes protein predictors and evolutionary conservation, supports that this variant does not alter protein structure/function; This variant is associated with the following publications: (PMID: 28166282, 27930701, 27535533)

Literature cited by the submitters: PubMed 25351510 (cited by Ambry Genetics); PubMed 27930701 (cited by Ambry Genetics); PubMed 28255936 (cited by Ambry Genetics).

NM_001148.6(ANK2):c.11326A>G (p.Thr3776Ala)

Gene: ANK2 (ankyrin 2; plus strand). Cytogenetic location: 4q26.
Variant type: single nucleotide variant.
Coding change: c.11326A>G on transcript NM_001148.6 (MANE Select); coding-DNA position 11326, A replaced by G.
Protein change: p.Thr3776Ala; replaces threonine 3776 with alanine.
Molecular consequence: missense variant.
Genome position (GRCh38, 1-based): chr4:113,369,521, A>G. VCF-style: chr4-113369521-A-G. GRCh37 (hg19) VCF-style: chr4-114290677-A-G.
Other names: c.5044A>G, p.Thr1682Ala (NM_001127493.3); c.5083A>G, p.Thr1695Ala (NM_001354225.2); c.4972A>G, p.Thr1658Ala (NM_001354228.2, NM_001354258.2); c.5050A>G, p.Thr1684Ala (NM_001354230.2); c.5113A>G, p.Thr1705Ala (NM_001354231.2, NM_001354242.2); c.5107A>G, p.Thr1703Ala (NM_001354232.2); c.5068A>G, p.Thr1690Ala (NM_001354235.2, NM_001354246.2, NM_001354265.2); c.4969A>G, p.Thr1657Ala (NM_001354236.2); and 35 more; short protein forms T3776A, T1682A, T1625A, T1648A, T1674A, T1690A, T1703A, T1705A.
Identifiers: ClinVar variation 406497 (VCV000406497.27), dbSNP rs746620876, ClinGen allele CA3052277.